The following is an entry in ClinVar:

ClinVar aggregate classification (germline): Uncertain significance (1 of 4 stars; one submission).

gnomAD v4.1: 1 of 1,612,554 alleles (0.000062%); highest among the groups gnomAD compares: Non-Finnish European, 0.000085%; no homozygotes.

Submission:

GeneDx
Classification: Uncertain significance. Last evaluated: 2026-03-21. Review status: criteria provided, single submitter. Criteria: GeneDx Variant Classification Process June 2021. Collection method: clinical testing. Allele origin: germline.
Comment: Not observed at significant frequency in large population cohorts (gnomAD); In silico analysis supports a deleterious effect on splicing; Has not been previously published as pathogenic or benign to our knowledge

NM_014975.3(MAST1):c.2775G>A (p.Val925=)

Gene: MAST1 (microtubule associated serine/threonine kinase 1; plus strand). Cytogenetic location: 19p13.13.
Variant type: single nucleotide variant.
Coding change: c.2775G>A on transcript NM_014975.3 (MANE Select); coding-DNA position 2775, G replaced by A.
Protein change: p.Val925=; no amino-acid change (valine 925 retained).
Molecular consequence: synonymous variant.
Genome position (GRCh38, 1-based): chr19:12,869,067, G>A. VCF-style: chr19-12869067-G-A. GRCh37 (hg19) VCF-style: chr19-12979881-G-A.
Identifiers: ClinVar variation 5017023 (VCV005017023.1).
Genomic context (GRCh38, chr19:12,869,067, plus strand): 5'-ATACAGGGAGATGTCTATCTTCTTGGTTCTGATTTCTGACCATGGTTGTGTGTCTGTAGT[G>A]GACCCACATGGAAGTTCACCCCTTGCTAGTCCCATGTCTCCACGATCTCTGTCCTCCAAC-3'
Protein context (NP_055790.1, residues 915-935): ATALSVMIPA[Val925=]DPHGSSPLAS